The following is an entry in ClinVar:

NM_020631.6(PLEKHG5):c.1934-4C>G

Gene: PLEKHG5 (pleckstrin homology and RhoGEF domain containing G5; minus strand). Cytogenetic location: 1p36.31.
Variant type: single nucleotide variant.
Coding change: c.1934-4C>G on transcript NM_020631.6 (MANE Select); 4 bases into the intron before coding-DNA position 1934, C replaced by G.
Molecular consequence: intron variant.
Genome position (GRCh38, 1-based): chr1:6,469,454, G>C on the plus strand (C>G on the coding strand, the complement: PLEKHG5 is on the minus strand). VCF-style: chr1-6469454-G-C. GRCh37 (hg19) VCF-style: chr1-6529514-G-C.
Other names: c.1934-4C>G (NM_198681.4, NM_001265594.3, NM_001042664.2 and 1 more transcripts); c.2045-4C>G (NM_001042663.3, NM_001265592.2); c.2141-4C>G (NM_001265593.2).
Identifiers: ClinVar variation 1509179 (VCV001509179.3), dbSNP rs951050550, ClinGen allele CA17235304.

ClinVar aggregate classification (germline): Uncertain significance (1 of 4 stars; one submission).

Conditions:
Charcot-Marie-Tooth disease recessive intermediate C. Also called: CHARCOT-MARIE-TOOTH NEUROPATHY, RECESSIVE INTERMEDIATE C. Identifiers: Orphanet 369867, MedGen C3809309, MONDO:0014154, OMIM 615376.
Neuronopathy, distal hereditary motor, autosomal recessive 4. Also called: Autosomal recessive lower motor neuron disease with childhood onset; NEUROPATHY, DISTAL HEREDITARY MOTOR, AUTOSOMAL RECESSIVE 4. Identifiers: Orphanet 206580, MedGen C1970211, MONDO:0012608, OMIM 611067.

Allele frequency attached by ClinVar (database versions not stated): gnomAD exomes 0.00001.
gnomAD v4.1: 5 of 1,613,590 alleles (0.00031%); highest among the groups gnomAD compares: Admixed American, 0.0067%; no homozygotes.

Submission:

Labcorp Genetics (formerly Invitae), Labcorp
Classification: Uncertain significance for Neuronopathy, distal hereditary motor, autosomal recessive 4; Charcot-Marie-Tooth disease recessive intermediate C. Last evaluated: 2021-10-13. Review status: criteria provided, single submitter. Criteria: Invitae Variant Classification Sherloc (09022015). Collection method: clinical testing. Allele origin: germline.
Comment: This sequence change falls in intron 17 of the PLEKHG5 gene. It does not directly change the encoded amino acid sequence of the PLEKHG5 protein. This variant is not present in population databases (ExAC no frequency). This variant has not been reported in the literature in individuals affected with PLEKHG5-related conditions. Algorithms developed to predict the effect of sequence changes on RNA splicing suggest that this variant may disrupt the consensus splice site. In summary, the available evidence is currently insufficient to determine the role of this variant in disease. Therefore, it has been classified as a Variant of Uncertain Significance.